The following is an entry in ClinVar:

ClinVar aggregate classification (germline): Uncertain significance (1 of 4 stars; one submission).

Conditions:
Nephronophthisis 14 (NPHP14). Identifiers: Orphanet 2318, MedGen C3539071, MONDO:0013916, OMIM 614844.

Allele frequency attached by ClinVar (database versions not stated): ExAC 0.00001; gnomAD exomes 0.00001; TOPMed 0.00001.

Submission:

Labcorp Genetics (formerly Invitae), Labcorp
Classification: Uncertain significance for Nephronophthisis 14. Last evaluated: 2022-04-12. Review status: criteria provided, single submitter. Criteria: Invitae Variant Classification Sherloc (09022015). Collection method: clinical testing. Allele origin: germline.
Comment: This sequence change replaces valine, which is neutral and non-polar, with isoleucine, which is neutral and non-polar, at codon 501 of the ZNF423 protein (p.Val501Ile). This variant is present in population databases (rs750249389, gnomAD 0.003%). This variant has not been reported in the literature in individuals affected with ZNF423-related conditions. Algorithms developed to predict the effect of missense changes on protein structure and function output the following: SIFT: "Tolerated"; PolyPhen-2: "Benign"; Align-GVGD: "Class C0". The isoleucine amino acid residue is found in multiple mammalian species, which suggests that this missense change does not adversely affect protein function. In summary, the available evidence is currently insufficient to determine the role of this variant in disease. Therefore, it has been classified as a Variant of Uncertain Significance.

NM_001379286.1(ZNF423):c.1525G>A (p.Val509Ile)

Gene: ZNF423 (zinc finger protein 423; minus strand). Cytogenetic location: 16q12.1.
Variant type: single nucleotide variant.
Coding change: c.1525G>A on transcript NM_001379286.1 (MANE Select); coding-DNA position 1525, G replaced by A.
Protein change: p.Val509Ile; replaces valine 509 with isoleucine.
Molecular consequence: missense variant.
Genome position (GRCh38, 1-based): chr16:49,637,651, C>T on the plus strand (G>A on the coding strand, the complement: ZNF423 is on the minus strand). VCF-style: chr16-49637651-C-T. GRCh37 (hg19) VCF-style: chr16-49671562-C-T.
Other names: c.1321G>A, p.Val441Ile (NM_001271620.2); c.1150G>A, p.Val384Ile (NM_001330533.2); c.1501G>A, p.Val501Ile (NM_015069.5); short protein forms V509I, V501I, V384I, V441I.
Identifiers: ClinVar variation 1502794 (VCV001502794.4), dbSNP rs750249389, ClinGen allele CA8046664.